The following is an entry in ClinVar:

ClinVar aggregate classification (germline): Uncertain significance (1 of 4 stars; one submission).

Conditions:
Hereditary sensory neuropathy-deafness-dementia syndrome. Also called: Hereditary sensory neuropathy type IE; NEUROPATHY, HEREDITARY SENSORY, WITH HEARING LOSS AND DEMENTIA; Hereditary Sensory and Autonomic Neuropathy Type 1E (HSAN1E); HSN IE. Identifiers: Orphanet 456318, MedGen C3279885, MONDO:0013584, OMIM 614116.

Submission:

Labcorp Genetics (formerly Invitae), Labcorp
Classification: Uncertain significance for Hereditary sensory neuropathy-deafness-dementia syndrome. Last evaluated: 2022-02-20. Review status: criteria provided, single submitter. Criteria: Invitae Variant Classification Sherloc (09022015). Collection method: clinical testing. Allele origin: germline.
Comment: This variant is not present in population databases (gnomAD no frequency). In summary, the available evidence is currently insufficient to determine the role of this variant in disease. Therefore, it has been classified as a Variant of Uncertain Significance. Algorithms developed to predict the effect of missense changes on protein structure and function are either unavailable or do not agree on the potential impact of this missense change (SIFT: "Deleterious"; PolyPhen-2: "Probably Damaging"; Align-GVGD: "Class C0"). ClinVar contains an entry for this variant (Variation ID: 539609). This variant has not been reported in the literature in individuals affected with DNMT1-related conditions. This sequence change replaces serine, which is neutral and polar, with leucine, which is neutral and non-polar, at codon 825 of the DNMT1 protein (p.Ser825Leu).

NM_001130823.3(DNMT1):c.2474C>T (p.Ser825Leu)

Gene: DNMT1 (DNA methyltransferase 1; minus strand). Cytogenetic location: 19p13.2.
Variant type: single nucleotide variant.
Coding change: c.2474C>T on transcript NM_001130823.3 (MANE Select); coding-DNA position 2474, C replaced by T.
Protein change: p.Ser825Leu; replaces serine 825 with leucine.
Molecular consequence: missense variant.
Genome position (GRCh38, 1-based): chr19:10,149,565, G>A on the plus strand (C>T on the coding strand, the complement: DNMT1 is on the minus strand). VCF-style: chr19-10149565-G-A. GRCh37 (hg19) VCF-style: chr19-10260241-G-A.
Other names: c.2474C>T (LRG_362t1); c.2426C>T, p.Ser809Leu (NM_001318730.2, NM_001379.4); c.2111C>T, p.Ser704Leu (NM_001318731.2); short protein forms S825L, S704L, S809L.
Identifiers: ClinVar variation 539609 (VCV000539609.8), dbSNP rs1555690467, ClinGen allele CA403929025.